The following is an entry in ClinVar:

ClinVar aggregate classification (germline): Uncertain significance (1 of 4 stars; one submission).

Conditions:
Inborn genetic diseases. Identifiers: MedGen C0950123, MeSH D030342.

gnomAD v4.1: 4 of 1,608,652 alleles (0.00025%); highest among the groups gnomAD compares: Non-Finnish European, 0.00034%; no homozygotes.

Submission:

Ambry Genetics
Classification: Uncertain significance for Inborn genetic diseases. Last evaluated: 2026-07-23. Review status: criteria provided, single submitter. Criteria: Ambry Variant Classification Scheme 2023. Collection method: clinical testing. Allele origin: germline.
Comment: The p.G674A variant (also known as c.2021G>C), located in coding exon 22 of the RTEL1 gene, results from a G to C substitution at nucleotide position 2021. The glycine at codon 674 is replaced by alanine, an amino acid with similar properties. This amino acid position is conserved. In addition, this alteration is predicted to be tolerated by in silico analysis. Based on the available evidence, the clinical significance of this variant remains unclear.

NM_001283009.2(RTEL1):c.2021G>C (p.Gly674Ala)

Genes: RTEL1 (regulator of telomere elongation helicase 1; plus strand), RTEL1-TNFRSF6B (RTEL1-TNFRSF6B readthrough (NMD candidate); plus strand). Cytogenetic location: 20q13.33.
Variant type: single nucleotide variant.
Coding change: c.2021G>C on transcript NM_001283009.2 (MANE Select); coding-DNA position 2021, G replaced by C.
Protein change: p.Gly674Ala; replaces glycine 674 with alanine.
Molecular consequence: missense variant. On other transcripts: non-coding transcript variant (1).
Genome position (GRCh38, 1-based): chr20:63,689,644, G>C. VCF-style: chr20-63689644-G-C. GRCh37 (hg19) VCF-style: chr20-62320997-G-C.
Other names: c.1352G>C, p.Gly451Ala (NM_001283010.1); c.2021G>C, p.Gly674Ala (NM_016434.4); c.2093G>C, p.Gly698Ala (NM_032957.5); short protein forms G451A, G674A, G698A.
Identifiers: ClinVar variation 5028492 (VCV005028492.1).